The following is an entry in ClinVar:

ClinVar aggregate classification (germline): Uncertain significance. Review status: criteria provided, single submitter (1 of 4 stars). 2 submissions from 2 submitters: Uncertain significance (1). 1 of the submissions does not count toward it. Last evaluated 2025-10-04.

Conditions:
MEGF8-related disorder. Also called: MEGF8-related condition.
MEGF8-related Carpenter syndrome. Also called: Carpenter syndrome 2. Identifiers: Orphanet 65759, MedGen C3554247, MONDO:0013998, OMIM 614976.

Allele frequency attached by ClinVar (database versions not stated): gnomAD 0.00011 and 0.00012; TOPMed 0.00011; gnomAD exomes 0.00015; ExAC 0.00016.
gnomAD v4.1: 206 of 1,603,618 alleles (0.013%); highest among the groups gnomAD compares: Middle Eastern, 0.12%; no homozygotes.

Submissions (2):

Labcorp Genetics (formerly Invitae), Labcorp
Classification: Uncertain significance for MEGF8-related Carpenter syndrome. Last evaluated: 2025-10-04. Review status: criteria provided, single submitter. Criteria: Invitae Variant Classification Sherloc (09022015). Collection method: clinical testing. Allele origin: germline.
Comment: This sequence change replaces arginine, which is basic and polar, with histidine, which is basic and polar, at codon 1511 of the MEGF8 protein (p.Arg1511His). This variant is present in population databases (rs759275421, gnomAD 0.05%). This missense change has been observed in individual(s) with single suture craniosynostosis (PMID: 29168297). ClinVar contains an entry for this variant (Variation ID: 1400185). An algorithm developed to predict the effect of missense changes on protein structure and function (PolyPhen-2) suggests that this variant is likely to be tolerated. In summary, the available evidence is currently insufficient to determine the role of this variant in disease. Therefore, it has been classified as a Variant of Uncertain Significance.

PreventionGenetics, part of Exact Sciences
Classification: Uncertain significance for MEGF8-related condition. Last evaluated: 2024-09-17. Review status: no assertion criteria provided. Collection method: clinical testing. Allele origin: germline. Not counted in ClinVar's aggregate classification.
Comment: The MEGF8 c.4532G>A variant is predicted to result in the amino acid substitution p.Arg1511His. This variant has been reported in an individual with single suture craniosynostosis (Clarke et al. 2018. PubMed ID: 29168297). This variant is reported in 0.051% of alleles in individuals of Ashkenazi Jewish descent in gnomAD. At this time, the clinical significance of this variant is uncertain due to the absence of conclusive functional and genetic evidence.

Literature cited by the submitters: PubMed 29168297 (cited by Labcorp Genetics (formerly Invitae), Labcorp).

NM_001271938.2(MEGF8):c.4733G>A (p.Arg1578His)

Gene: MEGF8 (multiple EGF like domains 8; plus strand). Cytogenetic location: 19q13.2.
Variant type: single nucleotide variant.
Coding change: c.4733G>A on transcript NM_001271938.2 (MANE Select); coding-DNA position 4733, G replaced by A.
Protein change: p.Arg1578His; replaces arginine 1578 with histidine.
Molecular consequence: missense variant.
Genome position (GRCh38, 1-based): chr19:42,356,884, G>A. VCF-style: chr19-42356884-G-A. GRCh37 (hg19) VCF-style: chr19-42861036-G-A.
Other names: c.4532G>A (NM_001410.2); c.4532G>A, p.Arg1511His (NM_001410.3); short protein forms R1511H, R1578H.
Identifiers: ClinVar variation 1400185 (VCV001400185.8), dbSNP rs759275421, ClinGen allele CA9475353.